The following is an entry in ClinVar:

NM_000531.6(OTC):c.1025T>C (p.Leu342Pro)

Gene: OTC (ornithine transcarbamylase; plus strand). Cytogenetic location: Xp11.4.
Variant type: single nucleotide variant.
Coding change: c.1025T>C on transcript NM_000531.6 (MANE Select); coding-DNA position 1025, T replaced by C.
Protein change: p.Leu342Pro; replaces leucine 342 with proline.
Molecular consequence: missense variant.
Genome position (GRCh38, 1-based): chrX:38,421,042, T>C. VCF-style: chrX-38421042-T-C. GRCh37 (hg19) VCF-style: chrX-38280295-T-C.
Other names: NM_000531.6(OTC):c.1025T>C; p.Leu342Pro; short protein forms L342P.
Identifiers: ClinVar variation 943237 (VCV000943237.11), dbSNP rs2068592679, ClinGen allele CA412728043.

ClinVar aggregate classification (germline): Likely pathogenic. Review status: reviewed by expert panel (3 of 4 stars). 2 submissions from 2 submitters: Likely pathogenic (1). 1 of the submissions does not count toward it. Last evaluated 2026-06-11.

Conditions:
Ornithine carbamoyltransferase deficiency (OTCD). Also called: OTC DEFICIENCY; ORNITHINE TRANSCARBAMYLASE DEFICIENCY; ORNITHINE TRANSCARBAMYLASE DEFICIENCY, HYPERAMMONEMIA DUE TO; Ornithine Carbamoyltransferase Deficiency Disease. Identifiers: Orphanet 664, MedGen C0268542, MONDO:0010703, OMIM 311250.

Submissions (2):

Clingen Urea Cycle Disorders Variant Curation Expert Panel, ClinGen
Classification: Likely pathogenic for Ornithine carbamoyltransferase deficiency. Last evaluated: 2026-06-11. Review status: reviewed by expert panel. Criteria: ClinGen UreaCycles ACMG Specifications OTC V1.0. Collection method: curation. Allele origin: germline. Inheritance: X-linked inheritance.
Comment: The NM_000531.6:c.1025T>C variant in OTC is a missense variant predicted to cause substitution of leucine by proline at amino acid 342 (p.Leu342Pro). This variant is absent from gnomAD v4.1.0 (PM2_Supporting). The computational predictor REVEL gives a SCORE of 0.958, which is above the threshold of ≥ 0.932 to apply PP3_Strong, evidence that correlates with impact to OTC function (PP3_Strong). Quantitative growth assay in yeast strains showed <5% wild-type growth activity, indicating that this variant impacts protein function (PMID: 37146589) (PS3_Moderate). In summary, this variant meets the criteria to be classified as Likely Pathogenic for X-linked ornithine carbamoyltransferase deficiency. ACMG/AMP criteria met, as specified by the ClinGen Urea Cycle Disorders VCEP (OTC specifications version 1.0.0): PM2_Supporting, PP3_Strong, PS3_Moderate.

Labcorp Genetics (formerly Invitae), Labcorp
Classification: Uncertain significance for Ornithine carbamoyltransferase deficiency. Last evaluated: 2019-06-16. Review status: criteria provided, single submitter. Criteria: Invitae Variant Classification Sherloc (09022015). Collection method: clinical testing. Allele origin: germline. Not counted in ClinVar's aggregate classification.
Comment: In summary, the available evidence is currently insufficient to determine the role of this variant in disease. Therefore, it has been classified as a Variant of Uncertain Significance. Algorithms developed to predict the effect of missense changes on protein structure and function (SIFT, PolyPhen-2, Align-GVGD) all suggest that this variant is likely to be disruptive, but these predictions have not been confirmed by published functional studies and their clinical significance is uncertain. This variant has not been reported in the literature in individuals with OTC-related conditions. This variant is not present in population databases (ExAC no frequency). This sequence change replaces leucine with proline at codon 342 of the OTC protein (p.Leu342Pro). The leucine residue is highly conserved and there is a moderate physicochemical difference between leucine and proline.

Literature cited by the submitters: PubMed 37146589 (cited by Clingen Urea Cycle Disorders Variant Curation Expert Panel, ClinGen).